The following is an entry in ClinVar:

ClinVar aggregate classification (germline): Conflicting classifications of pathogenicity. Review status: criteria provided, conflicting classifications (1 of 4 stars). 10 submissions from 10 submitters: Uncertain significance (8); Likely benign (1). 1 of the submissions does not count toward it. Last evaluated 2025-12-20.

Conditions:
Familial thoracic aortic aneurysm and aortic dissection (TAAD). Also called: Thoracic aortic aneurysms and dissections. Identifiers: Orphanet 91387, MedGen C4707243, MONDO:0019625.
Hereditary cancer-predisposing syndrome. Also called: Tumor predisposition; Neoplastic Syndromes, Hereditary; Hereditary neoplastic syndrome; Hereditary Cancer Syndrome. Identifiers: Orphanet 140162, MedGen C0027672, MeSH D009386, MONDO:0015356.
Familial pancreatic carcinoma. Identifiers: Orphanet 1333, MedGen C2931038, MONDO:0015278, OMIM 260350.
Juvenile polyposis syndrome (JPS). Identifiers: Orphanet 2929, MedGen C0345893, MONDO:0017380, OMIM 174900.
Juvenile polyposis/hereditary hemorrhagic telangiectasia syndrome (JPHT). Also called: Juvenile Polyposis Syndrome / Hereditary Hemorrhagic Telangiectasia (JPS/HHT); JP/HHT SYNDROME; JUVENILE POLYPOSIS WITH HEREDITARY HEMORRHAGIC TELANGIECTASIA; POLYPOSIS, GENERALIZED JUVENILE, WITH PULMONARY ARTERIOVENOUS MALFORMATION; TELANGIECTASIA, HEREDITARY HEMORRHAGIC, WITH JUVENILE POLYPOSIS COLI. Identifiers: Orphanet 2929, MedGen C1832942, MONDO:0008278, OMIM 175050.

Allele frequency attached by ClinVar (database versions not stated): gnomAD exomes below 0.00001; ExAC 0.00001; ESP Exome Variant Server 0.00008.
gnomAD v4.1: 1 of 1,612,826 alleles (0.000062%); highest among the groups gnomAD compares: Non-Finnish European, 0.000085%; no homozygotes.

Submissions (10):

Labcorp Genetics (formerly Invitae), Labcorp
Classification: Likely benign for Juvenile polyposis syndrome. Last evaluated: 2025-12-20. Review status: criteria provided, single submitter. Criteria: Invitae Variant Classification Sherloc (09022015). Collection method: clinical testing. Allele origin: germline.

Women's Health and Genetics/Laboratory Corporation of America, LabCorp
Classification: Uncertain significance. Last evaluated: 2025-05-02. Review status: criteria provided, single submitter. Criteria: LabCorp Variant Classification Summary - May 2015. Collection method: clinical testing. Allele origin: germline.

Ambry Genetics
Classification: Uncertain significance for Hereditary cancer-predisposing syndrome; Familial thoracic aortic aneurysm and aortic dissection. Last evaluated: 2024-11-17. Review status: criteria provided, single submitter. Criteria: Ambry Variant Classification Scheme 2023. Collection method: clinical testing. Allele origin: germline.
Comment: The p.V304I variant (also known as c.910G>A), located in coding exon 7 of the SMAD4 gene, results from a G to A substitution at nucleotide position 910. The valine at codon 304 is replaced by isoleucine, an amino acid with highly similar properties. This amino acid position is highly conserved in available vertebrate species. In addition, the in silico prediction for this alteration is inconclusive. Since supporting evidence is limited at this time, the clinical significance of this alteration remains unclear.

Molecular Pathology, Peter Maccallum Cancer Centre
Classification: Uncertain significance for Juvenile polyposis/hereditary hemorrhagic telangiectasia syndrome. Last evaluated: 2024-07-03. Review status: criteria provided, single submitter. Criteria: ACMG Guidelines, 2015. Collection method: clinical testing. Allele origin: germline. Inheritance: Autosomal dominant inheritance.

Myriad Genetics, Inc.
Classification: Uncertain significance for Juvenile polyposis/hereditary hemorrhagic telangiectasia syndrome. Last evaluated: 2023-04-10. Review status: criteria provided, single submitter. Criteria: Myriad Autosomal Dominant, Autosomal Recessive and X-Linked Classification Criteria (2023). Collection method: clinical testing. Allele origin: unknown.
Comment: This variant is classified as a variant of uncertain significance as there is insufficient evidence to determine its impact on protein function and/or cancer risk.

All of Us Research Program, National Institutes of Health
Classification: Uncertain significance for Juvenile polyposis/hereditary hemorrhagic telangiectasia syndrome. Last evaluated: 2023-04-03. Review status: criteria provided, single submitter. Criteria: ACMG Guidelines, 2015. Collection method: clinical testing. Allele origin: germline. Inheritance: Autosomal dominant inheritance. Observed: 2 variant alleles, 2 heterozygotes.
Comment: This missense variant replaces valine with isoleucine at codon 304 of the SMAD4 protein. Computational prediction suggests that this variant may not impact protein structure and function (internally defined REVEL score threshold <= 0.5, PMID: 27666373). To our knowledge, functional studies have not been reported for this variant. This variant has not been reported in individuals affected with hereditary cancer in the literature. This variant has been identified in 1/246170 chromosomes in the general population by the Genome Aggregation Database (gnomAD). The available evidence is insufficient to determine the role of this variant in disease conclusively. Therefore, this variant is classified as a Variant of Uncertain Significance.

This study involves interpretation of variants in research participants for the purpose of population health screening. Participant phenotype was not available at the time of variant classification. Additional details can be found in publication PMID: 35346344, PMCID: PMC8962531

Color Diagnostics, LLC DBA Color Health
Classification: Uncertain significance for Hereditary cancer-predisposing syndrome. Last evaluated: 2022-10-20. Review status: criteria provided, single submitter. Criteria: ACMG Guidelines, 2015. Collection method: clinical testing. Allele origin: germline.
Comment: This missense variant replaces valine with isoleucine at codon 304 of the SMAD4 protein. Computational prediction suggests that this variant may not impact protein structure and function (internally defined REVEL score threshold <= 0.5, PMID: 27666373). To our knowledge, functional studies have not been reported for this variant. This variant has not been reported in individuals affected with hereditary cancer in the literature. This variant has been identified in 1/246170 chromosomes in the general population by the Genome Aggregation Database (gnomAD). The available evidence is insufficient to determine the role of this variant in disease conclusively. Therefore, this variant is classified as a Variant of Uncertain Significance.

Department of Pathology and Laboratory Medicine, Sinai Health System
Classification: Uncertain significance for Familial pancreatic carcinoma. Last evaluated: 2021-01-14. Review status: criteria provided, single submitter. Criteria: ACMG Guidelines, 2015. Collection method: clinical testing. Allele origin: germline. Affected: yes.

GeneDx
Classification: Uncertain significance. Last evaluated: 2019-12-06. Review status: criteria provided, single submitter. Criteria: GeneDx Variant Classification Process June 2021. Collection method: clinical testing. Allele origin: germline. Affected: yes.
Comment: Not observed in large population cohorts (Lek 2016); In silico analysis, which includes protein predictors and evolutionary conservation, supports that this variant does not alter protein structure/function; Has not been previously published as pathogenic or benign to our knowledge

Counsyl
Classification: Uncertain significance for Juvenile polyposis syndrome. Last evaluated: 2016-09-15. Review status: no assertion criteria provided. Collection method: clinical testing. Allele origin: unknown. Not counted in ClinVar's aggregate classification.

NM_005359.6(SMAD4):c.910G>A (p.Val304Ile)

Gene: SMAD4 (SMAD family member 4; plus strand). Cytogenetic location: 18q21.2.
Variant type: single nucleotide variant.
Coding change: c.910G>A on transcript NM_005359.6 (MANE Select); coding-DNA position 910, G replaced by A.
Protein change: p.Val304Ile; replaces valine 304 with isoleucine.
Molecular consequence: missense variant.
Genome position (GRCh38, 1-based): chr18:51,059,871, G>A. VCF-style: chr18-51059871-G-A. GRCh37 (hg19) VCF-style: chr18-48586241-G-A.
Other names: short protein forms V304I.
Identifiers: ClinVar variation 219504 (VCV000219504.23), dbSNP rs375185293, ClinGen allele CA348217.